The following is an entry in ClinVar:

NM_002187.3(IL12B):c.901C>T (p.Arg301Cys)

Gene: IL12B (interleukin 12B; minus strand). Cytogenetic location: 5q33.3.
Variant type: single nucleotide variant.
Coding change: c.901C>T on transcript NM_002187.3 (MANE Select); coding-DNA position 901, C replaced by T.
Protein change: p.Arg301Cys; replaces arginine 301 with cysteine.
Molecular consequence: missense variant.
Genome position (GRCh38, 1-based): chr5:159,316,771, G>A on the plus strand (C>T on the coding strand, the complement: IL12B is on the minus strand). VCF-style: chr5-159316771-G-A. GRCh37 (hg19) VCF-style: chr5-158743779-G-A.
Other names: short protein forms R301C.
Identifiers: ClinVar variation 999067 (VCV000999067.6), dbSNP rs780789325, ClinGen allele CA3538670.

ClinVar aggregate classification (germline): Uncertain significance (1 of 4 stars; one submission).

Conditions:
Mendelian susceptibility to mycobacterial diseases due to complete IL12B deficiency. Also called: Immunodeficiency 29; IL12B DEFICIENCY. Identifiers: Orphanet 319558, MedGen C4013948, MONDO:0013954, OMIM 614890.

Allele frequency attached by ClinVar (database versions not stated): gnomAD exomes below 0.00001 and 0.00001; TOPMed below 0.00001; ExAC 0.00001; gnomAD 0.00001.
gnomAD v4.1: 7 of 1,613,962 alleles (0.00043%); highest among the groups gnomAD compares: Non-Finnish European, 0.00059%; no homozygotes.

Submission:

Labcorp Genetics (formerly Invitae), Labcorp
Classification: Uncertain significance for Mendelian susceptibility to mycobacterial diseases due to complete IL12B deficiency. Last evaluated: 2021-08-28. Review status: criteria provided, single submitter. Criteria: Invitae Variant Classification Sherloc (09022015). Collection method: clinical testing. Allele origin: germline.
Comment: This sequence change replaces arginine with cysteine at codon 301 of the IL12B protein (p.Arg301Cys). The arginine residue is weakly conserved and there is a large physicochemical difference between arginine and cysteine. This variant is present in population databases (rs780789325, ExAC 0.002%). This variant has not been reported in the literature in individuals affected with IL12B-related conditions. Algorithms developed to predict the effect of missense changes on protein structure and function are either unavailable or do not agree on the potential impact of this missense change (SIFT: "Deleterious"; PolyPhen-2: "Benign"; Align-GVGD: "Class C15"). In summary, the available evidence is currently insufficient to determine the role of this variant in disease. Therefore, it has been classified as a Variant of Uncertain Significance.